The following is an entry in ClinVar:

NC_000009.11:g.(?_80881497)_(80888713_?)del

Gene: CEP78 (centrosomal protein 78; plus strand). Cytogenetic location: 9q21.2.
Variant type: Deletion.
Identifiers: ClinVar variation 1525364 (VCV001525364.6).

ClinVar aggregate classification (germline): Uncertain significance (1 of 4 stars; one submission).

Submission:

Labcorp Genetics (formerly Invitae), Labcorp
Classification: Uncertain significance. Last evaluated: 2021-02-27. Review status: criteria provided, single submitter. Criteria: Invitae Variant Classification Sherloc (09022015). Collection method: clinical testing. Allele origin: germline.
Comment: This variant results in the deletion of part of exon 16 (c.1993_*7040del) of the CEP78 gene. While this deletion is not anticipated to lead to nonsense mediated decay, it is expected to alter mRNA translation or result in a truncated protein product. In summary, the available evidence is currently insufficient to determine the role of this variant in disease. Therefore, it has been classified as a Variant of Uncertain Significance. Experimental studies and prediction algorithms are not available or were not evaluated, and the functional significance of this variant is currently unknown. This variant has not been reported in the literature in individuals with CEP78-related conditions.